The following is an entry in ClinVar:

NM_015512.5(DNAH1):c.2992A>G (p.Asn998Asp)

Gene: DNAH1 (dynein axonemal heavy chain 1; plus strand). Cytogenetic location: 3p21.1.
Variant type: single nucleotide variant.
Coding change: c.2992A>G on transcript NM_015512.5 (MANE Select); coding-DNA position 2992, A replaced by G.
Protein change: p.Asn998Asp; replaces asparagine 998 with aspartic acid.
Molecular consequence: missense variant.
Genome position (GRCh38, 1-based): chr3:52,352,672, A>G. VCF-style: chr3-52352672-A-G. GRCh37 (hg19) VCF-style: chr3-52386688-A-G.
Other names: short protein forms N998D.
Identifiers: ClinVar variation 1275740 (VCV001275740.4), dbSNP rs1042476924, ClinGen allele CA74742428.

ClinVar aggregate classification (germline): Uncertain significance. Review status: criteria provided, multiple submitters, no conflicts (2 of 4 stars). 2 submissions from 2 submitters: Uncertain significance (2). Last evaluated 2023-03-04.

Conditions:
Spermatogenic failure 18. Identifiers: MedGen C4539783, MONDO:0054615, OMIM 617576.
Ciliary dyskinesia, primary, 37 (CILD37). Also called: CILIARY DYSKINESIA, PRIMARY, 37, WITH OR WITHOUT SITUS INVERSUS. Identifiers: MedGen C4539798, MONDO:0033204, OMIM 617577.

Allele frequency attached by ClinVar (database versions not stated): gnomAD exomes below 0.00001; TOPMed below 0.00001.
gnomAD v4.1: 4 of 1,610,150 alleles (0.00025%); highest among the groups gnomAD compares: Non-Finnish European, 0.00034%; no homozygotes.

Submissions (2):

Labcorp Genetics (formerly Invitae), Labcorp
Classification: Uncertain significance for Ciliary dyskinesia, primary, 37; Spermatogenic failure 18. Last evaluated: 2023-03-04. Review status: criteria provided, single submitter. Criteria: Invitae Variant Classification Sherloc (09022015). Collection method: clinical testing. Allele origin: germline.
Comment: In summary, the available evidence is currently insufficient to determine the role of this variant in disease. Therefore, it has been classified as a Variant of Uncertain Significance. ClinVar contains an entry for this variant (Variation ID: 1275740). Advanced modeling of protein sequence and biophysical properties (such as structural, functional, and spatial information, amino acid conservation, physicochemical variation, residue mobility, and thermodynamic stability) performed at Invitae indicates that this missense variant is not expected to disrupt DNAH1 protein function. This variant has not been reported in the literature in individuals affected with DNAH1-related conditions. This variant is not present in population databases (gnomAD no frequency). This sequence change replaces asparagine, which is neutral and polar, with aspartic acid, which is acidic and polar, at codon 998 of the DNAH1 protein (p.Asn998Asp).

Johns Hopkins Genomics, Johns Hopkins University
Classification: Uncertain significance for Ciliary dyskinesia, primary, 37. Last evaluated: 2021-08-27. Review status: criteria provided, single submitter. Criteria: ACMG Guidelines, 2015. Collection method: clinical testing. Allele origin: germline.
Comment: This DNAH1 variant is absent from a large population dataset and has not been reported in ClinVar nor the literature, to our knowledge. Of three bioinformatics tools queried, two predict that the substitution would be damaging, while one predicts that it would be tolerated. The asparagine residue at this position is evolutionarily conserved across most species assessed. We consider the clinical significance of DNAH1 c.2992A>G to be uncertain at this time.

Literature cited by the submitters: PubMed 24360805 (cited by Johns Hopkins Genomics, Johns Hopkins University).